The following is an entry in ClinVar:

NM_014141.6(CNTNAP2):c.3076G>A (p.Ala1026Thr)

Gene: CNTNAP2 (contactin associated protein 2; plus strand). Cytogenetic location: 7q36.1.
Variant type: single nucleotide variant.
Coding change: c.3076G>A on transcript NM_014141.6 (MANE Select); coding-DNA position 3076, G replaced by A.
Protein change: p.Ala1026Thr; replaces alanine 1026 with threonine.
Molecular consequence: missense variant.
Genome position (GRCh38, 1-based): chr7:148,217,353, G>A. VCF-style: chr7-148217353-G-A. GRCh37 (hg19) VCF-style: chr7-147914445-G-A.
Other names: p.A1026T:GCC>ACC; short protein forms A1026T.
Identifiers: ClinVar variation 205278 (VCV000205278.13), dbSNP rs796052382, ClinGen allele CA314190.

ClinVar aggregate classification (germline): Uncertain significance. Review status: criteria provided, multiple submitters, no conflicts (2 of 4 stars). 4 submissions from 4 submitters: Uncertain significance (4). Last evaluated 2021-10-08.

Conditions:
Cortical dysplasia-focal epilepsy syndrome (PTHSL1). Also called: Pitt-Hopkins-like syndrome 1. Identifiers: Orphanet 163681, Orphanet 221150, MedGen C2750246, MONDO:0012400, OMIM 610042.
Autism, susceptibility to, 15. Also called: Autism susceptibility 15. Identifiers: MedGen C2677504, MONDO:0012801, OMIM 612100.
Inborn genetic diseases. Identifiers: MedGen C0950123, MeSH D030342.

Submissions (4):

New York Genome Center
Classification: Uncertain significance for Autism, susceptibility to, 15; Cortical dysplasia-focal epilepsy syndrome. Last evaluated: 2021-10-08. Review status: criteria provided, single submitter. Criteria: NYGC Assertion Criteria 2020. Collection method: clinical testing. Allele origin: inherited. Observed: 1 heterozygote. Study: CSER-NYCKidSeq.

Ambry Genetics
Classification: Uncertain significance for Inborn genetic diseases. Last evaluated: 2018-08-08. Review status: criteria provided, single submitter. Criteria: Ambry Variant Classification Scheme 2023. Collection method: clinical testing. Allele origin: germline.
Comment: The p.A1026T variant (also known as c.3076G>A), located in coding exon 19 of the CNTNAP2 gene, results from a G to A substitution at nucleotide position 3076. The alanine at codon 1026 is replaced by threonine, an amino acid with similar properties. This amino acid position is not well conserved in available vertebrate species, and threonine is the reference amino acid in other vertebrate species. In addition, this alteration is predicted to be tolerated by in silico analysis. Since supporting evidence is limited at this time, the clinical significance of this alteration remains unclear.

Labcorp Genetics (formerly Invitae), Labcorp
Classification: Uncertain significance for Cortical dysplasia-focal epilepsy syndrome. Last evaluated: 2016-01-10. Review status: criteria provided, single submitter. Criteria: Invitae Variant Classification Sherloc (09022015). Collection method: clinical testing. Allele origin: germline.
Comment: This sequence change replaces alanine with threonine at codon 1026 of the CNTNAP2 protein (p.Ala1026Thr). The alanine residue is moderately conserved and there is a small physicochemical difference between alanine and threonine. This variant is not present in population databases (ExAC no frequency) and has not been reported in the literature in individuals with a CNTNAP2-related disease. ClinVar contains an entry for this variant (Variation ID: 205278). Algorithms developed to predict the effect of missense changes on protein structure and function (SIFT, PolyPhen-2, Align-GVGD) all suggest that this variant is likely to be tolerated, but these predictions have not been confirmed by published functional studies. Furthermore, the threonine amino acid residue is found in multiple mammalian species, suggesting that this missense change does not adversely affect protein function. In summary, this is a novel missense change that is not predicted to affect protein function or cause disease. However, the evidence is insufficient at this time to prove that conclusively. It has been classified as a Variant of Uncertain Significance.

GeneDx
Classification: Uncertain significance. Last evaluated: 2012-09-21. Review status: criteria provided, single submitter. Criteria: GeneDx Variant Classification (06012015). Collection method: clinical testing. Allele origin: germline. Affected: yes.
Comment: p.Ala1026Thr (GCC>ACC):c.3076 G>A in exon 19 of the CNTNAP2 gene (NM_014141.4). The Ala1026Thr missense change has not been published as a mutation, nor has it been reported as a benign polymorphism to our knowledge. The NHLBI ESP Exome Variant Project did not identify Ala1026Thr in approximately 6,500 individuals of European or African American ethnicity, indicating that it is not a common benign variant in these populations. The Ala1026Thr substitution is non-conservative, as a non-polar Alanine residue is replaced by a polar Threonine residue. It alters a position that is not well conserved across species and in silico algorithms predict that Ala1026Thr is not damaging to protein structure/function. Therefore, based on the currently available information, it is unclear whether Ala1026Thr is a disease-causing mutation or a rare benign variant. The variant is found in INFANT-EPI panel(s).